The following is an entry in ClinVar:

ClinVar aggregate classification (germline): Pathogenic (1 of 4 stars; one submission).

Conditions:
Gorlin syndrome. Also called: Basal cell nevus syndrome; Nevoid Basal Cell Carcinoma Syndrome. Identifiers: Orphanet 377, MedGen C0004779, MONDO:0007187.

Submission:

Labcorp Genetics (formerly Invitae), Labcorp
Classification: Pathogenic for Gorlin syndrome. Last evaluated: 2022-12-04. Review status: criteria provided, single submitter. Criteria: Invitae Variant Classification Sherloc (09022015). Collection method: clinical testing. Allele origin: unknown.
Comment: This variant has not been reported in the literature in individuals affected with PTCH1-related conditions. For these reasons, this variant has been classified as Pathogenic. This variant disrupts a region of the PTCH1 protein in which other variant(s) (p.Gly1163Val ) have been determined to be pathogenic (Invitae). This suggests that this is a clinically significant region of the protein, and that variants that disrupt it are likely to be disease-causing. This variant results in the deletion of exon 21 and part of exon 22 (c.3450-1730_3744del) of the PTCH1 gene. It is expected to disrupt RNA splicing. Variants that disrupt the donor or acceptor splice site typically lead to a loss of protein function (PMID: 16199547), and loss-of-function variants in PTCH1 are known to be pathogenic (PMID: 16301862, 16419085).

Literature cited by the submitters: PubMed 16199547; PubMed 16301862; PubMed 16419085.

NC_000009.11:g.(?_98211411)_(98213952_?)del

Gene: PTCH1 (patched 1; minus strand). Cytogenetic location: 9q22.32.
Variant type: Deletion.
Identifiers: ClinVar variation 3245054 (VCV003245054.1).